The following is an entry in ClinVar:

NM_020533.3(MCOLN1):c.984+1G>C

Gene: MCOLN1 (mucolipin TRP cation channel 1; plus strand). Cytogenetic location: 19p13.2.
Variant type: single nucleotide variant.
Coding change: c.984+1G>C on transcript NM_020533.3 (MANE Select); the canonical splice donor site of the intron after coding-DNA position 984, G replaced by C.
Molecular consequence: splice donor variant.
Genome position (GRCh38, 1-based): chr19:7,528,704, G>C. VCF-style: chr19-7528704-G-C. GRCh37 (hg19) VCF-style: chr19-7593590-G-C.
Identifiers: ClinVar variation 4816069 (VCV004816069.1).
Genomic context (GRCh38, chr19:7,528,704, plus strand): 5'-TGCTCCCTGTCCTTCCTCCTCTGCGCCCGCTCACTCCTTCGAGGCTTCCTGCTGCAGAAC[G>C]TGAGGCTTCTGCGTCATGTGTGCTGGTGTCCTCCCCGCCTGGCCCTGGGGCGATAAAAGC-3'

ClinVar aggregate classification (germline): Pathogenic (1 of 4 stars; one submission).

Conditions:
Mucolipidosis type IV (ML4). Also called: ML IV. Identifiers: Orphanet 578, MedGen C0238286, MONDO:0009653, OMIM 252650.

Submission:

Natera, Inc.
Classification: Pathogenic for Mucolipidosis type IV. Last evaluated: 2026-01-22. Review status: criteria provided, single submitter. Criteria: Natera Variant Classification Schema (03/2026). Collection method: clinical testing. Allele origin: germline.
Comment: The c.984+1G>C variant in MCOLN1 is a canonical splice donor site variant predicted to affect pre-mRNA splicing, which may result in an abnormal transcript and altered protein product. This variant is expected to result in nonsense mediated decay, truncation, or a dysfunctional protein product. This variant is rare in the general population with a frequency below the threshold expected for the associated phenotype(s). Another variant at this same site results in an alteration predicted to cause a similar molecular effect has been observed in individual(s) with the associated phenotype. Given the available evidence, this variant is classified as Pathogenic.